The following is an entry in ClinVar:

ClinVar aggregate classification (germline): Uncertain significance (1 of 4 stars; one submission).

Conditions:
Long QT syndrome (LQTS). Identifiers: MedGen C0023976, MeSH D008133, MONDO:0002442. Disease mechanism: loss of function. Inheritance: Various modes of inheritance.

Allele frequency attached by ClinVar (database versions not stated): gnomAD exomes below 0.00001.
gnomAD v4.1: 1 of 1,613,906 alleles (0.000062%); highest among the groups gnomAD compares: African/African-American, 0.0013%; no homozygotes.

Submission:

Labcorp Genetics (formerly Invitae), Labcorp
Classification: Uncertain significance for Long QT syndrome. Last evaluated: 2021-08-31. Review status: criteria provided, single submitter. Criteria: Invitae Variant Classification Sherloc (09022015). Collection method: clinical testing. Allele origin: germline.
Comment: This sequence change replaces alanine with valine at codon 1953 of the CACNA1C protein (p.Ala1953Val). The alanine residue is weakly conserved and there is a small physicochemical difference between alanine and valine. This variant is not present in population databases (ExAC no frequency). This variant has not been reported in the literature in individuals affected with CACNA1C-related conditions. Algorithms developed to predict the effect of missense changes on protein structure and function (SIFT, PolyPhen-2, Align-GVGD) all suggest that this variant is likely to be tolerated. In summary, the available evidence is currently insufficient to determine the role of this variant in disease. Therefore, it has been classified as a Variant of Uncertain Significance.

NM_000719.7(CACNA1C):c.5858C>T (p.Ala1953Val)

Genes: CACNA1C (calcium voltage-gated channel subunit alpha1 C; plus strand), CACNA1C-AS1 (CACNA1C antisense RNA 1; minus strand). Cytogenetic location: 12p13.33.
Variant type: single nucleotide variant.
Coding change: c.5858C>T on transcript NM_000719.7 (MANE Select); coding-DNA position 5858, C replaced by T.
Protein change: p.Ala1953Val; replaces alanine 1953 with valine.
Molecular consequence: missense variant.
Genome position (GRCh38, 1-based): chr12:2,688,520, C>T. VCF-style: chr12-2688520-C-T. GRCh37 (hg19) VCF-style: chr12-2797686-C-T.
Other names: c.6002C>T, p.Ala2001Val (NM_001129827.2); c.5981C>T, p.Ala1994Val (NM_001129829.2); c.5963C>T, p.Ala1988Val (NM_001129830.3, NM_001167624.3); c.5942C>T, p.Ala1981Val (NM_001129831.2); c.5918C>T, p.Ala1973Val (NM_001129832.2); c.5915C>T, p.Ala1972Val (NM_001129833.2, NM_001129834.2, NM_001129835.2); c.5909C>T, p.Ala1970Val (NM_001129836.2); c.5882C>T, p.Ala1961Val (NM_001129837.2, NM_001129838.2); and 6 more; short protein forms A1942V, A1950V, A1953V, A1959V, A1961V, A1970V, A1972V, A1973V.
Identifiers: ClinVar variation 1015484 (VCV001015484.6), dbSNP rs759733868, ClinGen allele CA231617617.